The following is an entry in ClinVar:

ClinVar aggregate classification (germline): Uncertain significance (1 of 4 stars; one submission).

Allele frequency attached by ClinVar (database versions not stated): gnomAD exomes below 0.00001.
gnomAD v4.1: 1 of 1,583,142 alleles (0.000063%); highest among the groups gnomAD compares: Non-Finnish European, 0.000087%; no homozygotes.

Submission:

GeneDx
Classification: Uncertain significance. Last evaluated: 2019-07-20. Review status: criteria provided, single submitter. Criteria: GeneDx Variant Classification Process June 2021. Collection method: clinical testing. Allele origin: germline. Affected: yes.
Comment: Has not been previously published as pathogenic or benign to our knowledge; Canonical splice site variant in a gene for which loss-of-function is not a known mechanism of disease; Not observed in large population cohorts (Lek et al., 2016)

NM_014920.5(CILK1):c.358+1G>A

Gene: CILK1 (ciliogenesis associated kinase 1; minus strand). Cytogenetic location: 6p12.1.
Variant type: single nucleotide variant.
Coding change: c.358+1G>A on transcript NM_014920.5 (MANE Select); the canonical splice donor site of the intron after coding-DNA position 358, G replaced by A.
Molecular consequence: splice donor variant.
Genome position (GRCh38, 1-based): chr6:53,031,064, C>T on the plus strand (G>A on the coding strand, the complement: CILK1 is on the minus strand). VCF-style: chr6-53031064-C-T. GRCh37 (hg19) VCF-style: chr6-52895862-C-T.
Other names: c.358+1G>A (NM_001375397.1, NM_001375400.1, NM_016513.5 and 4 more transcripts).
Identifiers: ClinVar variation 1306853 (VCV001306853.2), dbSNP rs2127437783, ClinGen allele CA364474433.
Genomic context (GRCh38, chr6:53,031,064, plus strand): 5'-ACTTCTACTTGATAACAACATTTCACTGCTCTTCAAAAGCACAACACTCCGAATCACCTA[C>T]CGTGTTTGTGAATAAATGCGAGTCCTTGTAATATCTGATACATGATATTCCTTATAGCAG-3'